The following is an entry in ClinVar:

ClinVar aggregate classification (germline): Conflicting classifications of pathogenicity. Review status: criteria provided, conflicting classifications (1 of 4 stars). 3 submissions from 3 submitters: Likely pathogenic (2); Uncertain significance (1). Last evaluated 2020-05-27.

Conditions:
EEF1A2-related developmental and degenerative epileptic-dyskinetic encephalopathy.
EEF1A2-related disorder. Also called: EEF1A2-related condition; EEF1A2-related disorders.

Submissions (3):

Blueprint Genetics
Classification: Likely pathogenic for EEF1A2-related disorders. Last evaluated: 2020-05-27. Review status: criteria provided, single submitter. Criteria: ACMG Guidelines, 2015. Collection method: clinical testing. Allele origin: germline. Affected: yes. Observed: 1 variant allele.

Epilepsy Neurogenetics Initiative, Children's Hospital of Philadelphia
Classification: Likely pathogenic for EEF1A2-related developmental and degenerative epileptic-dyskinetic encephalopathy. Last evaluated: 2020-02-13. Review status: criteria provided, single submitter. Criteria: ACMG Guidelines, 2015. Collection method: research. Allele origin: de novo. Inheritance: Autosomal dominant inheritance. Affected: yes.
Comment: The EEF1A2 c.374C>A; Neuroimaging identified cortical atrophy. Therefore, this variant has been classified as likely pathogenic.

GeneDx
Classification: Uncertain significance. Last evaluated: 2016-12-06. Review status: criteria provided, single submitter. Criteria: GeneDx Variant Classification (06012015). Collection method: clinical testing. Allele origin: germline. Affected: yes.
Comment: A variant of uncertain significance has been identified in the EEF1A2 gene. The A125E variant has not been published as a pathogenic variant, nor has it been reported as a benign variant to our knowledge. The A125E variant is not observed in large population cohorts (Lek et al., 2016; 1000 Genomes Consortium et al., 2015; Exome Variant Server). The A125E variant is a non-conservative amino acid substitution, which is likely to impact secondary protein structure as these residues differ in polarity, charge, size, and/or other properties. This substitution occurs at a position that is conserved across species. Missense variants in nearby residues (E122K, E124K) have been reported in the Human Gene Mutation Database in association with EEF1A2-related disorders (Stenson et al., 2014). Additionally, in silico analysis predicts this variant is probably damaging to the protein structure/function. Based on the currently available information, it is unclear whether this variant is a pathogenic variant or a rare benign variant.

NM_001958.5(EEF1A2):c.374C>A (p.Ala125Glu)

Gene: EEF1A2 (eukaryotic translation elongation factor 1 alpha 2; minus strand). Cytogenetic location: 20q13.33.
Variant type: single nucleotide variant.
Coding change: c.374C>A on transcript NM_001958.5 (MANE Select); coding-DNA position 374, C replaced by A.
Protein change: p.Ala125Glu; replaces alanine 125 with glutamic acid.
Molecular consequence: missense variant.
Genome position (GRCh38, 1-based): chr20:63,495,052, G>T on the plus strand (C>A on the coding strand, the complement: EEF1A2 is on the minus strand). VCF-style: chr20-63495052-G-T. GRCh37 (hg19) VCF-style: chr20-62126405-G-T.
Other names: short protein forms A125E.
Identifiers: ClinVar variation 373747 (VCV000373747.3), dbSNP rs1057518587, ClinGen allele CA16043160.